The following is an entry in ClinVar:

ClinVar aggregate classification (germline): Uncertain significance (1 of 4 stars; one submission).

Conditions:
TYR-related disorder. Also called: TYR-related condition.

gnomAD v4.1: 1 of 1,613,464 alleles (0.000062%); highest among the groups gnomAD compares: Non-Finnish European, 0.000085%; no homozygotes.

Submission:

PreventionGenetics, part of Exact Sciences
Classification: Uncertain significance for TYR-related condition. Last evaluated: 2026-08-27. Review status: criteria provided, single submitter. Criteria: ACMG Guidelines, 2015. Collection method: clinical testing. Allele origin: germline.
Comment: The TYR c.1090A>C variant is predicted to result in the amino acid substitution p.Asn364His. This variant has been reported in an individual with oculocutaneous albinism; however, patient details were not provided (Simeonov et al. 2013. PubMed ID: 23504663). This variant has not been reported in a large population database (gnomAD), indicating it is rare. Alternate missense substitutions affecting the same amino acid position (p.Asn364Asp and p.Asn364Lys) have been reported with a second TYR variant in individuals with oculocutaneous albinism (Kohli et al. 2024. PubMed ID: 38030918; Lin et al. 2014. PubMed ID: 24721949). Although we suspect that the c.1090A>C (p.Asn364His) variant may be pathogenic, at this time, the clinical significance of this variant is uncertain due to the absence of conclusive functional and genetic evidence.

NM_000372.5(TYR):c.1090A>C (p.Asn364His)

Gene: TYR (tyrosinase; plus strand). Cytogenetic location: 11q14.3.
Variant type: single nucleotide variant.
Coding change: c.1090A>C on transcript NM_000372.5 (MANE Select); coding-DNA position 1090, A replaced by C.
Protein change: p.Asn364His; replaces asparagine 364 with histidine.
Molecular consequence: missense variant.
Genome position (GRCh38, 1-based): chr11:89,227,876, A>C. VCF-style: chr11-89227876-A-C. GRCh37 (hg19) VCF-style: chr11-88961044-A-C.
Other names: short protein forms N364H.
Identifiers: ClinVar variation 4994544 (VCV004994544.1).